The following is an entry in ClinVar:

ClinVar aggregate classification (germline): Likely pathogenic (1 of 4 stars; one submission).

Conditions:
Leber congenital amaurosis 1 (LCA1). Also called: AMAUROSIS CONGENITA OF LEBER I; RETINAL BLINDNESS, CONGENITAL; Congenital absence of the rods and cones; Leber's congenital tapetoretinal degeneration; Leber's congenital tapetoretinal dysplasia. Identifiers: Orphanet 65, MedGen C2931258, MONDO:0008764, OMIM 204000.

Submission:

Variantyx, Inc.
Classification: Likely pathogenic for Leber congenital amaurosis 1. Last evaluated: 2025-11-12. Review status: criteria provided, single submitter. Criteria: Variantyx Assertion Criteria 2022. Collection method: clinical testing. Allele origin: germline. Inheritance: Autosomal recessive inheritance. Affected: yes.
Comment: This is a frameshift variant in the GUCY2D gene (OMIM: 600179). Pathogenic variants in this gene have been associated with autosomal recessive Leber congenital amaurosis 1. This variant introduces a premature termination codon in exon 7 out of 20 and is expected to result in loss of function, which is a known disease mechanism for GUCY2D in this disorder (PMID: 10951519) (PVS1). This variant is absent from control populations (PM2). Based on the current evidence, this variant is classified as likely pathogenic for autosomal recessive Leber congenital amaurosis 1.

Literature cited by the submitters: PubMed 10951519.

NM_000180.4(GUCY2D):c.1625del (p.Gly542fs)

Gene: GUCY2D (guanylate cyclase 2D, retinal; plus strand). Cytogenetic location: 17p13.1.
Variant type: Deletion.
Coding change: c.1625del on transcript NM_000180.4 (MANE Select); coding-DNA position 1625, one base deleted (G; older notation c.1625delG).
Protein change: p.Gly542fs; shifts the reading frame from glycine 542.
Molecular consequence: frameshift variant.
Genome position (GRCh38, 1-based): chr17:8,007,989, G deleted; the last of 2 consecutive G bases (chr17:8,007,988-8,007,989); deleting either gives the same sequence. VCF-style (leftmost placement, unchanged base first): chr17-8007987-CG-C. GRCh37 (hg19) VCF-style: chr17-7911305-CG-C.
Other names: short protein forms G542fs.
Identifiers: ClinVar variation 4850808 (VCV004850808.1).
Genomic context (GRCh38, chr17:8,007,987, plus strand): 5'-CTAGGTGGCCCAGGGGAGTCGATCAAGTCTGGGTGCCCGCAGCATGTCAGACATTCGCAG[CG>C]GCCCCAGCCAACACTTGGACAGCCCCAACATTGGTGTCTATGAGGTGAGCCTGACCCCAG-3'